The following is an entry in ClinVar:

NM_001145026.2(PTPRQ):c.6301C>A (p.Leu2101Ile)

Gene: PTPRQ (protein tyrosine phosphatase receptor type Q; plus strand). Cytogenetic location: 12q21.31.
Variant type: single nucleotide variant.
Coding change: c.6301C>A on transcript NM_001145026.2 (MANE Select); coding-DNA position 6301, C replaced by A.
Protein change: p.Leu2101Ile; replaces leucine 2101 with isoleucine.
Molecular consequence: missense variant.
Genome position (GRCh38, 1-based): chr12:80,669,115, C>A. VCF-style: chr12-80669115-C-A. GRCh37 (hg19) VCF-style: chr12-81062894-C-A.
Other names: short protein forms L2101I.
Identifiers: ClinVar variation 3364613 (VCV003364613.1).
Genomic context (GRCh38, chr12:80,669,115, plus strand): 5'-GGAACAGTTGGAGATTTTTGGAGAATGGTGTGGGAAACCAGAGCAAAAACATTAGTAATG[C>A]TAACACAGTGTTTTGAAAAAGGACGGGTAAGTTATTTGAAAATGTTTTACAAATGTTGTT-3'
Protein context (NP_001138498.1, residues 2091-2111): WETRAKTLVM[Leu2101Ile]TQCFEKGRIR

ClinVar aggregate classification (germline): Uncertain significance (1 of 4 stars; one submission).

Submission:

GeneDx
Classification: Uncertain significance. Last evaluated: 2023-11-29. Review status: criteria provided, single submitter. Criteria: GeneDx Variant Classification Process June 2021. Collection method: clinical testing. Allele origin: germline. Affected: yes.
Comment: Not observed at significant frequency in large population cohorts (gnomAD); In silico analysis supports that this missense variant has a deleterious effect on protein structure/function; Has not been previously published as pathogenic or benign to our knowledge